The following is an entry in ClinVar:

NM_000368.5(TSC1):c.3250T>C (p.Ser1084Pro)

Gene: TSC1 (TSC complex subunit 1; minus strand). Cytogenetic location: 9q34.13.
Variant type: single nucleotide variant.
Coding change: c.3250T>C on transcript NM_000368.5 (MANE Select); coding-DNA position 3250, T replaced by C.
Protein change: p.Ser1084Pro; replaces serine 1084 with proline.
Molecular consequence: missense variant.
Genome position (GRCh38, 1-based): chr9:132,896,480, A>G on the plus strand (T>C on the coding strand, the complement: TSC1 is on the minus strand). VCF-style: chr9-132896480-A-G. GRCh37 (hg19) VCF-style: chr9-135771867-A-G.
Other names: p.S1084P:TCA>CCA; c.3247T>C, p.Ser1083Pro (NM_001162426.2); c.3097T>C, p.Ser1033Pro (NM_001162427.2); c.2887T>C, p.Ser963Pro (NM_001362177.2); short protein forms S1084P, S1083P, S963P, S1033P.
Identifiers: ClinVar variation 207643 (VCV000207643.11), dbSNP rs796053463, ClinGen allele CA319322.
Genomic context (GRCh38, chr9:132,896,480, plus strand): 5'-ACTGGCTCTCGCTCTTATTACGAAATAACTCTCGAGCCTTCATACCCAGGAAGCTTTTTG[A>G]ACTGGGAAGTGAGCCCACAGTGGTGGGGATGCTGGCAGACGCTTCTCCCATAGTCGTCTC-3'
Protein context (NP_000359.1, residues 1074-1094): IPTTVGSLPS[Ser1084Pro]KSFLGMKARE

ClinVar aggregate classification (germline): Uncertain significance. Review status: criteria provided, multiple submitters, no conflicts (2 of 4 stars). 4 submissions from 4 submitters: Uncertain significance (4). Last evaluated 2026-01-07.

Conditions:
Hereditary cancer-predisposing syndrome. Also called: Neoplastic Syndromes, Hereditary; Hereditary Cancer Syndrome; Tumor predisposition; Hereditary neoplastic syndrome. Identifiers: Orphanet 140162, MedGen C0027672, MeSH D009386, MONDO:0015356.
Tuberous sclerosis 1 (TSC1). Identifiers: Orphanet 805, MedGen C1854465, MONDO:0008612, OMIM 191100.

Submissions (4):

Ambry Genetics
Classification: Uncertain significance for Hereditary cancer-predisposing syndrome. Last evaluated: 2026-01-07. Review status: criteria provided, single submitter. Criteria: Ambry Variant Classification Scheme 2023. Collection method: clinical testing. Allele origin: germline.
Comment: The p.S1084P variant (also known as c.3250T>C), located in coding exon 21 of the TSC1 gene, results from a T to C substitution at nucleotide position 3250. The serine at codon 1084 is replaced by proline, an amino acid with similar properties. This amino acid position is well conserved in available vertebrate species. In addition, the in silico prediction for this alteration is inconclusive. Based on the available evidence, the clinical significance of this variant remains unclear.

Blueprint Genetics
Classification: Uncertain significance. Last evaluated: 2024-09-12. Review status: criteria provided, single submitter. Criteria: ACMG Guidelines, 2015. Collection method: clinical testing. Allele origin: germline.

Labcorp Genetics (formerly Invitae), Labcorp
Classification: Uncertain significance for Tuberous sclerosis 1. Last evaluated: 2021-05-04. Review status: criteria provided, single submitter. Criteria: Invitae Variant Classification Sherloc (09022015). Collection method: clinical testing. Allele origin: germline.
Comment: Algorithms developed to predict the effect of missense changes on protein structure and function are either unavailable or do not agree on the potential impact of this missense change (SIFT: "Tolerated"; PolyPhen-2: "Probably Damaging"; Align-GVGD: "Class C0"). In summary, the available evidence is currently insufficient to determine the role of this variant in disease. Therefore, it has been classified as a Variant of Uncertain Significance. This variant has not been reported in the literature in individuals with TSC1-related conditions. ClinVar contains an entry for this variant (Variation ID: 207643). This variant is not present in population databases (ExAC no frequency). This sequence change replaces serine with proline at codon 1084 of the TSC1 protein (p.Ser1084Pro). The serine residue is moderately conserved and there is a moderate physicochemical difference between serine and proline.

GeneDx
Classification: Uncertain significance. Last evaluated: 2013-06-27. Review status: criteria provided, single submitter. Criteria: GeneDx Variant Classification (06012015). Collection method: clinical testing. Allele origin: germline. Affected: yes.
Comment: p.Ser1084Pro (TCA>CCA): c.3250 T>C in exon 23 of the TSC1 gene (NM_000368.3). The Ser1084Pro missense change has not been published as a mutation, nor has it been reported as a benign polymorphism to our knowledge. It was not observed in approximately 6,500 individuals of European and African American ancestry in the NHLBI Exome Sequencing Project, indicating it is not a common benign variant in these populations. Ser1084Pro is a non-conservative amino acid substitution as a polar Serine is replaced by a non-polar Proline, and the addition of a bulky Proline may alter the secondary structure of the protein. Ser1084Pro alters a position that is conserved through mammals but is not conserved in more distant species. The vast majority of TSC1 mutations result in protein truncation, while missense mutations have been reported only rarely (Northrup et al., 2011; Au et al., 2007). Multiple in silico algorithms predict that Ser1084Pro is possibly benign, although another model predicts that it may be damaging to the structure/function of the TSC1 protein. Therefore, based on the currently available information, it is unclear whether Ser1084Pro is a disease-causing mutation or a rare benign variant. The variant is found in EPILEPSY panel(s).